The following is an entry in ClinVar:

NM_006031.6(PCNT):c.9866T>C (p.Leu3289Ser)

Gene: PCNT (pericentrin; plus strand). Cytogenetic location: 21q22.3.
Variant type: single nucleotide variant.
Coding change: c.9866T>C on transcript NM_006031.6 (MANE Select); coding-DNA position 9866, T replaced by C.
Protein change: p.Leu3289Ser; replaces leucine 3289 with serine.
Molecular consequence: missense variant.
Genome position (GRCh38, 1-based): chr21:46,444,720, T>C. VCF-style: chr21-46444720-T-C. GRCh37 (hg19) VCF-style: chr21-47864633-T-C.
Other names: c.9275T>C, p.Leu3092Ser (NM_001315529.2); short protein forms L3289S, L3092S.
Identifiers: ClinVar variation 436245 (VCV000436245.13), dbSNP rs199737174, ClinGen allele CA10081535.
Genomic context (GRCh38, chr21:46,444,720, plus strand): 5'-TTTTTCTTCTCTTGGTGTGGTAATTTGTTTGAAGAGCCACTCCATCCCCAAATTCAAGAT[T>C]AGAAAGATCCCTGACTGCTTCTCAAGATCCAGAACATTCCTTGACAGAGTATATTCACCA-3'
Protein context (NP_006022.3, residues 3279-3299): GRATPSPNSR[Leu3289Ser]ERSLTASQDP

ClinVar aggregate classification (germline): Uncertain significance. Review status: criteria provided, multiple submitters, no conflicts (2 of 4 stars). 3 submissions from 3 submitters: Uncertain significance (3). Last evaluated 2026-08-12.

Conditions:
PCNT-related disorder. Also called: PCNT-related condition.
Microcephalic osteodysplastic primordial dwarfism type II (MOPD2). Also called: OSTEODYSPLASTIC PRIMORDIAL DWARFISM, TYPE II; Microcephalic osteodysplastic primordial dwarfism with tooth abnormalities; MOPD II. Identifiers: Orphanet 2637, MedGen C0432246, MONDO:0008872, OMIM 210720.

Allele frequency attached by ClinVar (database versions not stated): gnomAD exomes 0.00009; TOPMed 0.00009; gnomAD 0.00011 and 0.00012.
gnomAD v4.1: 210 of 1,613,098 alleles (0.013%); highest among the groups gnomAD compares: Non-Finnish European, 0.016%; 1 homozygote.

Submissions (3):

PreventionGenetics, part of Exact Sciences
Classification: Uncertain significance for PCNT-related condition. Last evaluated: 2026-08-12. Review status: criteria provided, single submitter. Criteria: ACMG Guidelines, 2015. Collection method: clinical testing. Allele origin: germline.
Comment: The PCNT c.9866T>C variant is predicted to result in the amino acid substitution p.Leu3289Ser. To our knowledge, this variant has not been reported in the literature. This variant is reported in 0.017% of alleles in individuals of European (non-Finnish) descent in gnomAD. At this time, the clinical significance of this variant is uncertain due to the absence of conclusive functional and genetic evidence.

Illumina Laboratory Services, Illumina
Classification: Uncertain significance for Microcephalic osteodysplastic primordial dwarfism type II. Last evaluated: 2018-01-12. Review status: criteria provided, single submitter. Criteria: ICSL Variant Classification Criteria 13 December 2019. Collection method: clinical testing. Allele origin: germline.

Genetic Services Laboratory, University of Chicago
Classification: Uncertain significance. Last evaluated: 2017-04-10. Review status: criteria provided, single submitter. Criteria: ACMG Guidelines, 2015. Collection method: clinical testing. Allele origin: germline. Affected: no.